The following is an entry in ClinVar:

NM_003906.5(MCM3AP):c.1234A>G (p.Thr412Ala)

Gene: MCM3AP (minichromosome maintenance complex component 3 associated protein; minus strand). Cytogenetic location: 21q22.3.
Variant type: single nucleotide variant.
Coding change: c.1234A>G on transcript NM_003906.5 (MANE Select); coding-DNA position 1234, A replaced by G.
Protein change: p.Thr412Ala; replaces threonine 412 with alanine.
Molecular consequence: missense variant.
Genome position (GRCh38, 1-based): chr21:46,283,824, T>C on the plus strand (A>G on the coding strand, the complement: MCM3AP is on the minus strand). VCF-style: chr21-46283824-T-C. GRCh37 (hg19) VCF-style: chr21-47703738-T-C.
Other names: short protein forms T412A.
Identifiers: ClinVar variation 1722085 (VCV001722085.3), dbSNP rs2517434030, ClinGen allele CA410532154.

ClinVar aggregate classification (germline): Uncertain significance (1 of 4 stars; one submission).

gnomAD v4.1: 3 of 1,613,012 alleles (0.00019%); highest among the groups gnomAD compares: South Asian, 0.0011%; no homozygotes.

Submission:

Labcorp Genetics (formerly Invitae), Labcorp
Classification: Uncertain significance. Last evaluated: 2022-10-23. Review status: criteria provided, single submitter. Criteria: Invitae Variant Classification Sherloc (09022015). Collection method: clinical testing. Allele origin: germline.
Comment: In summary, the available evidence is currently insufficient to determine the role of this variant in disease. Therefore, it has been classified as a Variant of Uncertain Significance. Algorithms developed to predict the effect of missense changes on protein structure and function output the following: SIFT: "Tolerated"; PolyPhen-2: "Benign"; Align-GVGD: "Class C0". The alanine amino acid residue is found in multiple mammalian species, which suggests that this missense change does not adversely affect protein function. This variant has not been reported in the literature in individuals affected with MCM3AP-related conditions. This variant is not present in population databases (gnomAD no frequency). This sequence change replaces threonine, which is neutral and polar, with alanine, which is neutral and non-polar, at codon 412 of the MCM3AP protein (p.Thr412Ala).